The following is an entry in ClinVar:

NM_018714.3(COG1):c.2805+448C>T

Genes: COG1 (component of oligomeric golgi complex 1; plus strand), VCF1 (VCP nuclear cofactor family member 1; minus strand). Cytogenetic location: 17q25.1.
Variant type: single nucleotide variant.
Coding change: c.2805+448C>T on transcript NM_018714.3 (MANE Select); 448 bases into the intron after coding-DNA position 2805, C replaced by T.
Molecular consequence: intron variant. On other transcripts: 3 prime UTR variant (5).
Genome position (GRCh38, 1-based): chr17:73,207,704, C>T. VCF-style: chr17-73207704-C-T. GRCh37 (hg19) VCF-style: chr17-71203843-C-T.
Other names: c.*1825G>A (NM_001098832.2, NM_001289412.2, NM_032837.3); c.*1974G>A (NM_001289410.1, NM_001289411.1).
Identifiers: ClinVar variation 2648177 (VCV002648177.24), dbSNP rs915065495, ClinGen allele CA293813223.

ClinVar aggregate classification (germline): Likely benign (1 of 4 stars; one submission).

Allele frequency attached by ClinVar (database versions not stated): gnomAD exomes 0.00002.
gnomAD v4.1: 25 of 1,292,116 alleles (0.0019%); highest among the groups gnomAD compares: Non-Finnish European, 0.0024%; 1 homozygote.

Submission:

CeGaT Center for Human Genetics Tuebingen
Classification: Likely benign. Last evaluated: 2022-03-01. Review status: criteria provided, single submitter. Criteria: CeGaT Center For Human Genetics Tuebingen Variant Classification Criteria Version 2. Collection method: clinical testing. Allele origin: germline. Affected: yes. Observed: 1 variant allele.
Comment: COG1: BP4, BP7